The following is an entry in ClinVar:

NM_003072.5(SMARCA4):c.910C>A (p.Pro304Thr)

Gene: SMARCA4 (SWI/SNF related BAF chromatin remodeling complex subunit ATPase 4; plus strand). Cytogenetic location: 19p13.2.
Variant type: single nucleotide variant.
Coding change: c.910C>A on transcript NM_003072.5 (MANE Select); coding-DNA position 910, C replaced by A.
Protein change: p.Pro304Thr; replaces proline 304 with threonine.
Molecular consequence: missense variant. On other transcripts: non-coding transcript variant (1).
Genome position (GRCh38, 1-based): chr19:10,987,716, C>A. VCF-style: chr19-10987716-C-A. GRCh37 (hg19) VCF-style: chr19-11098392-C-A.
Other names: c.910C>A, p.Pro304Thr (NM_001128844.3, NM_001128845.2, NM_001128846.2 and 6 more transcripts); c.910C>A (NM_001128849.1); short protein forms P304T.
Identifiers: ClinVar variation 2104593 (VCV002104593.5), dbSNP rs745462998, ClinGen allele CA404058443.
Genomic context (GRCh38, chr19:10,987,716, plus strand): 5'-CTTCTCCCAGGACCCATGGCGAATGCTGCTGCCCCCACGAGCACCCCTCAGAAGCTGATT[C>A]CCCCGCAGCCAACGGGCCGCCCTTCCCCCGCGCCCCCTGCCGTCCCACCCGCCGCCTCGC-3'
Protein context (NP_003063.2, residues 294-314): APTSTPQKLI[Pro304Thr]PQPTGRPSPA

ClinVar aggregate classification (germline): Uncertain significance. Review status: criteria provided, multiple submitters, no conflicts (2 of 4 stars). 2 submissions from 2 submitters: Uncertain significance (2). Last evaluated 2025-05-19.

Conditions:
Hereditary cancer-predisposing syndrome. Also called: Hereditary Cancer Syndrome; Tumor predisposition; Neoplastic Syndromes, Hereditary; Hereditary neoplastic syndrome. Identifiers: Orphanet 140162, MedGen C0027672, MeSH D009386, MONDO:0015356.
Rhabdoid tumor predisposition syndrome 2 (RTPS2). Identifiers: Orphanet 231108, Orphanet 69077, MedGen C2750074, MONDO:0013224, OMIM 613325.

gnomAD v4.1: 4 of 1,610,804 alleles (0.00025%); highest among the groups gnomAD compares: Non-Finnish European, 0.00025%; no homozygotes.

Submissions (2):

Labcorp Genetics (formerly Invitae), Labcorp
Classification: Uncertain significance for Rhabdoid tumor predisposition syndrome 2. Last evaluated: 2025-05-19. Review status: criteria provided, single submitter. Criteria: Invitae Variant Classification Sherloc (09022015). Collection method: clinical testing. Allele origin: germline.
Comment: This sequence change replaces proline, which is neutral and non-polar, with threonine, which is neutral and polar, at codon 304 of the SMARCA4 protein (p.Pro304Thr). This variant is not present in population databases (gnomAD no frequency). This variant has not been reported in the literature in individuals affected with SMARCA4-related conditions. ClinVar contains an entry for this variant (Variation ID: 2104593). Invitae Evidence Modeling of protein sequence and biophysical properties (such as structural, functional, and spatial information, amino acid conservation, physicochemical variation, residue mobility, and thermodynamic stability) indicates that this missense variant is not expected to disrupt SMARCA4 protein function with a negative predictive value of 95%. In summary, the available evidence is currently insufficient to determine the role of this variant in disease. Therefore, it has been classified as a Variant of Uncertain Significance.

Ambry Genetics
Classification: Uncertain significance for Hereditary cancer-predisposing syndrome. Last evaluated: 2025-01-07. Review status: criteria provided, single submitter. Criteria: Ambry Variant Classification Scheme 2023. Collection method: clinical testing. Allele origin: germline.
Comment: The p.P304T variant (also known as c.910C>A), located in coding exon 5 of the SMARCA4 gene, results from a C to A substitution at nucleotide position 910. The proline at codon 304 is replaced by threonine, an amino acid with highly similar properties. This amino acid position is well conserved in available vertebrate species. In addition, the in silico prediction for this alteration is inconclusive. Based on the available evidence, the clinical significance of this variant remains unclear.